The following is an entry in ClinVar:

NM_016529.6(ATP8A2):c.1484del (p.Pro495fs)

Gene: ATP8A2 (ATPase phospholipid transporting 8A2). Cytogenetic location: 13q12.13.
Variant type: Deletion.
Coding change: c.1484del on transcript NM_016529.6 (MANE Select); coding-DNA position 1484, one base deleted.
Protein change: p.Pro495fs; shifts the reading frame from proline 495.
Molecular consequence: frameshift variant.
Genome position: GRCh38 VCF-style: chr13-25570773-GC-G. GRCh37 (hg19) VCF-style: chr13-26144911-GC-G.
Other names: c.1364del, p.Pro455fs (NM_001313741.1); c.1484delC, p.Pro495Leufs (NM_001411005.1, NM_001411006.1); short protein forms P455fs, P495fs.
Identifiers: ClinVar variation 2113917 (VCV002113917.4), dbSNP rs2039444431, ClinGen allele CA2079680549.
Genomic context (GRCh38, chr13:25,570,773, plus strand): 5'-CTGGTGCCTGTTGAAGGTGTTGTATCTGACACTAATCCCGCCTCACGTTTGCAGCCCACA[GC>G]CCCTTGCATTCAGGAGTTCCTCACCCTTCTGGCCGTGTGCCACACGGTTGTTCCTGAGAA-3'

ClinVar aggregate classification (germline): Pathogenic (1 of 4 stars; one submission).

Submission:

Labcorp Genetics (formerly Invitae), Labcorp
Classification: Pathogenic. Last evaluated: 2024-10-29. Review status: criteria provided, single submitter. Criteria: Invitae Variant Classification Sherloc (09022015). Collection method: clinical testing. Allele origin: germline.
Comment: This sequence change creates a premature translational stop signal (p.Pro495Leufs*38) in the ATP8A2 gene. It is expected to result in an absent or disrupted protein product. Loss-of-function variants in ATP8A2 are known to be pathogenic (PMID: 28454995, 29531481). This variant is not present in population databases (gnomAD no frequency). This variant has not been reported in the literature in individuals affected with ATP8A2-related conditions. ClinVar contains an entry for this variant (Variation ID: 2113917). For these reasons, this variant has been classified as Pathogenic.

Literature cited by the submitters: PubMed 28454995; PubMed 29531481.